The following is an entry in ClinVar:

ClinVar aggregate classification (germline): Uncertain significance (1 of 4 stars; one submission).

gnomAD v4.1: 1 of 1,614,192 alleles (0.000062%); highest among the groups gnomAD compares: African/African-American, 0.0013%; no homozygotes.

Submission:

GeneDx
Classification: Uncertain significance. Last evaluated: 2024-07-08. Review status: criteria provided, single submitter. Criteria: GeneDx Variant Classification Process June 2021. Collection method: clinical testing. Allele origin: germline. Affected: yes.
Comment: Not observed at significant frequency in large population cohorts (gnomAD); In silico analysis indicates that this missense variant does not alter protein structure/function; Has not been previously published as pathogenic or benign to our knowledge

NM_014425.5(INVS):c.3061A>G (p.Lys1021Glu)

Gene: INVS (inversin; plus strand). Cytogenetic location: 9q31.1.
Variant type: single nucleotide variant.
Coding change: c.3061A>G on transcript NM_014425.5 (MANE Select); coding-DNA position 3061, A replaced by G.
Protein change: p.Lys1021Glu; replaces lysine 1021 with glutamic acid.
Molecular consequence: missense variant. On other transcripts: non-coding transcript variant (1).
Genome position (GRCh38, 1-based): chr9:100,297,980, A>G. VCF-style: chr9-100297980-A-G. GRCh37 (hg19) VCF-style: chr9-103060262-A-G.
Other names: c.2773A>G, p.Lys925Glu (NM_001318381.2); c.2083A>G, p.Lys695Glu (NM_001318382.2); short protein forms K925E, K1021E, K695E.
Identifiers: ClinVar variation 3572582 (VCV003572582.1).
Genomic context (GRCh38, chr9:100,297,980, plus strand): 5'-TGTTGGTTCATTTCAGGTTGTTCTCACGAAGGGAAAATACATCATCCTACAAGATCTGTA[A>G]AAGCCTCTTCTGTGCTGCGTCTCAACTCAGGTAAGGCAGCCACTGCAAAGCAGATGGTGG-3'
Protein context (NP_055240.2, residues 1011-1031): GKIHHPTRSV[Lys1021Glu]ASSVLRLNSV